The following is an entry in ClinVar:

NM_000814.6(GABRB3):c.437A>C (p.Asp146Ala)

Gene: GABRB3 (gamma-aminobutyric acid type A receptor subunit beta3; minus strand). Cytogenetic location: 15q12.
Variant type: single nucleotide variant.
Coding change: c.437A>C on transcript NM_000814.6 (MANE Select); coding-DNA position 437, A replaced by C.
Protein change: p.Asp146Ala; replaces aspartic acid 146 with alanine.
Molecular consequence: missense variant. On other transcripts: non-coding transcript variant (1).
Genome position (GRCh38, 1-based): chr15:26,621,338, T>G on the plus strand (A>C on the coding strand, the complement: GABRB3 is on the minus strand). VCF-style: chr15-26621338-T-G. GRCh37 (hg19) VCF-style: chr15-26866485-T-G.
Other names: c.182A>C, p.Asp61Ala (NM_001191320.2, NM_001278631.2); c.224A>C, p.Asp75Ala (NM_001191321.3); c.437A>C, p.Asp146Ala (NM_021912.5); short protein forms D61A, D146A, D75A.
Identifiers: ClinVar variation 2088227 (VCV002088227.7), dbSNP rs2504328867, ClinGen allele CA391460669.

ClinVar aggregate classification (germline): Uncertain significance. Review status: criteria provided, multiple submitters, no conflicts (2 of 4 stars). 2 submissions from 2 submitters: Uncertain significance (2). Last evaluated 2024-04-15.

Conditions:
Epilepsy, childhood absence, susceptibility to, 1. Also called: Epilepsy, childhood absence 1. Identifiers: Orphanet 64280, MedGen C1838604, MONDO:0020759, OMIM 600131.
Epilepsy, childhood absence, susceptibility to, 5. Identifiers: Orphanet 64280, MedGen C2677087, MONDO:0012843, OMIM 612269.
Developmental and epileptic encephalopathy, 43 (DEE43). Also called: Epileptic encephalopathy, early infantile, 43. Identifiers: MedGen C4310712, MONDO:0014921, OMIM 617113.

Submissions (2):

Labcorp Genetics (formerly Invitae), Labcorp
Classification: Uncertain significance for Epilepsy, childhood absence, susceptibility to, 5; Epilepsy, childhood absence, susceptibility to, 1. Last evaluated: 2024-04-15. Review status: criteria provided, single submitter. Criteria: Invitae Variant Classification Sherloc (09022015). Collection method: clinical testing. Allele origin: germline.
Comment: This sequence change replaces aspartic acid, which is acidic and polar, with alanine, which is neutral and non-polar, at codon 146 of the GABRB3 protein (p.Asp146Ala). This variant is not present in population databases (gnomAD no frequency). This variant has not been reported in the literature in individuals affected with GABRB3-related conditions. ClinVar contains an entry for this variant (Variation ID: 2088227). Advanced modeling of protein sequence and biophysical properties (such as structural, functional, and spatial information, amino acid conservation, physicochemical variation, residue mobility, and thermodynamic stability) performed at Invitae indicates that this missense variant is expected to disrupt GABRB3 protein function with a positive predictive value of 95%. In summary, the available evidence is currently insufficient to determine the role of this variant in disease. Therefore, it has been classified as a Variant of Uncertain Significance.

Institute of Human Genetics, University of Leipzig Medical Center
Classification: Uncertain significance for Developmental and epileptic encephalopathy, 43. Last evaluated: 2023-02-03. Review status: criteria provided, single submitter. Criteria: ACMG Guidelines, 2015. Collection method: clinical testing. Allele origin: maternal. Inheritance: Autosomal dominant inheritance. Affected: yes.
Comment: Criteria applied: PM2_SUP,PP3